The following is an entry in ClinVar:

NM_004341.5(CAD):c.5487G>C (p.Glu1829Asp)

Gene: CAD (carbamoyl-phosphate synthetase 2, aspartate transcarbamylase, and dihydroorotase; plus strand). Cytogenetic location: 2p23.3.
Variant type: single nucleotide variant.
Coding change: c.5487G>C on transcript NM_004341.5 (MANE Select); coding-DNA position 5487, G replaced by C.
Protein change: p.Glu1829Asp; replaces glutamic acid 1829 with aspartic acid.
Molecular consequence: missense variant.
Genome position (GRCh38, 1-based): chr2:27,239,789, G>C. VCF-style: chr2-27239789-G-C. GRCh37 (hg19) VCF-style: chr2-27462657-G-C.
Other names: c.5298G>C, p.Glu1766Asp (NM_001306079.2); short protein forms E1829D, E1766D.
Identifiers: ClinVar variation 1470475 (VCV001470475.8), dbSNP rs2148092749, ClinGen allele CA346222947.

ClinVar aggregate classification (germline): Uncertain significance (1 of 4 stars; one submission).

Submission:

Labcorp Genetics (formerly Invitae), Labcorp
Classification: Uncertain significance. Last evaluated: 2021-08-19. Review status: criteria provided, single submitter. Criteria: Invitae Variant Classification Sherloc (09022015). Collection method: clinical testing. Allele origin: germline.
Comment: This sequence change replaces glutamic acid with aspartic acid at codon 1829 of the CAD protein (p.Glu1829Asp). The glutamic acid residue is weakly conserved and there is a small physicochemical difference between glutamic acid and aspartic acid. This variant is not present in population databases (ExAC no frequency). This variant has not been reported in the literature in individuals with CAD-related conditions. Algorithms developed to predict the effect of missense changes on protein structure and function (SIFT, PolyPhen-2, Align-GVGD) all suggest that this variant is likely to be tolerated, but these predictions have not been confirmed by published functional studies and their clinical significance is uncertain. In summary, the available evidence is currently insufficient to determine the role of this variant in disease. Therefore, it has been classified as a Variant of Uncertain Significance.